The following is an entry in ClinVar:

ClinVar aggregate classification (germline): Conflicting classifications of pathogenicity. Review status: criteria provided, conflicting classifications (1 of 4 stars). 4 submissions from 4 submitters: Pathogenic (1); Likely pathogenic (1); Uncertain significance (2). Last evaluated 2025-10-29.

Conditions:
Neurofibromatosis-Noonan syndrome (NFNS). Also called: NEUROFIBROMATOSIS WITH NOONAN PHENOTYPE. Identifiers: Orphanet 638, MedGen C2931482, MONDO:0011035, OMIM 601321. Disease mechanism: loss of function.
Neurofibromatosis, type 1 (NF1). Also called: Neurofibromatosis, type I; VON RECKLINGHAUSEN DISEASE; Peripheral type neurofibromatosis; NEUROFIBROMATOSIS, TYPE I, SOMATIC. Identifiers: Orphanet 636, MedGen C0027831, MONDO:0018975, OMIM 162200. Disease mechanism: loss of function.

Submissions (4):

Labcorp Genetics (formerly Invitae), Labcorp
Classification: Pathogenic for Neurofibromatosis, type 1. Last evaluated: 2025-10-29. Review status: criteria provided, single submitter. Criteria: Invitae Variant Classification Sherloc (09022015). Collection method: clinical testing. Allele origin: germline.
Comment: This sequence change replaces arginine, which is basic and polar, with glycine, which is neutral and non-polar, at codon 997 of the NF1 protein (p.Arg997Gly). This variant is not present in population databases (gnomAD no frequency). Invitae Evidence Modeling of clinical and family history, age, sex, and reported ancestry of multiple individuals with this NF1 variant has been performed. This variant is expected to be pathogenic with a positive predictive value of at least 99%. This is a validated machine learning model that incorporates the clinical features of 1,785,918 individuals referred to our laboratory for NF1 testing. ClinVar contains an entry for this variant (Variation ID: 849592). An algorithm developed to predict the effect of missense changes on protein structure and function (PolyPhen-2) suggests that this variant is likely to be disruptive. This variant disrupts the p.Arg997 amino acid residue in NF1. Other variant(s) that disrupt this residue have been determined to be pathogenic (internal data). This suggests that this residue is clinically significant, and that variants that disrupt this residue are likely to be disease-causing. For these reasons, this variant has been classified as Pathogenic.

GeneDx
Classification: Likely pathogenic. Last evaluated: 2023-02-03. Review status: criteria provided, single submitter. Criteria: GeneDx Variant Classification Process June 2021. Collection method: clinical testing. Allele origin: germline. Affected: yes.
Comment: In silico analysis supports that this missense variant has a deleterious effect on protein structure/function; Not observed at significant frequency in large population cohorts (gnomAD); This variant is associated with the following publications: (PMID: 21732117, Radu2021[Case report], 25486365, 2121369)

Genome-Nilou Lab
Classification: Uncertain significance for Neurofibromatosis, type 1. Last evaluated: 2022-03-15. Review status: criteria provided, single submitter. Criteria: ACMG Guidelines, 2015. Collection method: clinical testing. Allele origin: germline. Affected: no.

Genome Diagnostics Laboratory, The Hospital for Sick Children
Classification: Uncertain significance for Neurofibromatosis, type 1. Last evaluated: 2020-10-26. Review status: criteria provided, single submitter. Criteria: ACMG Guidelines, 2015. Collection method: clinical testing. Allele origin: germline. Affected: yes.

NM_001042492.3(NF1):c.2989A>G (p.Arg997Gly)

Gene: NF1 (neurofibromin 1; plus strand). Cytogenetic location: 17q11.2.
Variant type: single nucleotide variant.
Coding change: c.2989A>G on transcript NM_001042492.3 (MANE Select); coding-DNA position 2989, A replaced by G.
Protein change: p.Arg997Gly; replaces arginine 997 with glycine.
Molecular consequence: missense variant.
Genome position (GRCh38, 1-based): chr17:31,229,973, A>G. VCF-style: chr17-31229973-A-G. GRCh37 (hg19) VCF-style: chr17-29556991-A-G.
Other names: c.2989A>G, p.Arg997Gly (NM_000267.4); short protein forms R997G.
Identifiers: ClinVar variation 849592 (VCV000849592.14), dbSNP rs2067085335, ClinGen allele CA398986453.